The following is an entry in ClinVar:

ClinVar aggregate classification (germline): Uncertain significance (1 of 4 stars; one submission).

Conditions:
Chédiak-Higashi syndrome (CHS). Also called: Chediak-Higashi Syndrome. Identifiers: Orphanet 167, MedGen C0007965, MONDO:0008963, OMIM 214500.

Submission:

Labcorp Genetics (formerly Invitae), Labcorp
Classification: Uncertain significance for Chédiak-Higashi syndrome. Last evaluated: 2022-10-18. Review status: criteria provided, single submitter. Criteria: Invitae Variant Classification Sherloc (09022015). Collection method: clinical testing. Allele origin: germline.
Comment: This sequence change replaces serine, which is neutral and polar, with cysteine, which is neutral and slightly polar, at codon 867 of the LYST protein (p.Ser867Cys). This variant is not present in population databases (gnomAD no frequency). This variant has not been reported in the literature in individuals affected with LYST-related conditions. Advanced modeling of protein sequence and biophysical properties (such as structural, functional, and spatial information, amino acid conservation, physicochemical variation, residue mobility, and thermodynamic stability) performed at Invitae indicates that this missense variant is not expected to disrupt LYST protein function. In summary, the available evidence is currently insufficient to determine the role of this variant in disease. Therefore, it has been classified as a Variant of Uncertain Significance.

NM_000081.4(LYST):c.2600C>G (p.Ser867Cys)

Gene: LYST (lysosomal trafficking regulator; minus strand). Cytogenetic location: 1q42.3.
Variant type: single nucleotide variant.
Coding change: c.2600C>G on transcript NM_000081.4 (MANE Select); coding-DNA position 2600, C replaced by G.
Protein change: p.Ser867Cys; replaces serine 867 with cysteine.
Molecular consequence: missense variant.
Genome position (GRCh38, 1-based): chr1:235,806,536, G>C on the plus strand (C>G on the coding strand, the complement: LYST is on the minus strand). VCF-style: chr1-235806536-G-C. GRCh37 (hg19) VCF-style: chr1-235969836-G-C.
Other names: c.2600C>G, p.Ser867Cys (NM_001301365.1); short protein forms S867C.
Identifiers: ClinVar variation 1719926 (VCV001719926.3), dbSNP rs2527083139, ClinGen allele CA344956467.